The following is an entry in ClinVar:

NM_002838.5(PTPRC):c.1808A>G (p.Asp603Gly)

Gene: PTPRC (protein tyrosine phosphatase receptor type C; plus strand). Cytogenetic location: 1q32.1.
Variant type: single nucleotide variant.
Coding change: c.1808A>G on transcript NM_002838.5 (MANE Select); coding-DNA position 1808, A replaced by G.
Protein change: p.Asp603Gly; replaces aspartic acid 603 with glycine.
Molecular consequence: missense variant.
Genome position (GRCh38, 1-based): chr1:198,728,427, A>G. VCF-style: chr1-198728427-A-G. GRCh37 (hg19) VCF-style: chr1-198697556-A-G.
Other names: c.1325A>G, p.Asp442Gly (NM_080921.4); short protein forms D442G, D603G.
Identifiers: ClinVar variation 1435746 (VCV001435746.4), dbSNP rs754699279, ClinGen allele CA1314898.
Genomic context (GRCh38, chr1:198,728,427, plus strand): 5'-TGGCATTTCTGATTATTGTGACATCAATAGCCCTGCTTGTTGTTCTCTACAAAATCTATG[A>G]TCTACATAAGAAAAGATCCTGGTAAGAGTTGATTTTAAATTTTTAAATAATAATGGTATT-3'
Protein context (NP_002829.3, residues 593-613): ALLVVLYKIY[Asp603Gly]LHKKRSCNLD

ClinVar aggregate classification (germline): Uncertain significance. Review status: criteria provided, multiple submitters, no conflicts (2 of 4 stars). 2 submissions from 2 submitters: Uncertain significance (2). Last evaluated 2023-11-23.

Conditions:
Immunodeficiency 104. Also called: Severe Combined Immune Deficiency, Autosomal Recessive, TCell -Negative, B Cell-Positive, NK Cell-Positive, IL7R-Related; SCID, AUTOSOMAL RECESSIVE, T CELL-NEGATIVE, B CELL-POSITIVE, NK CELL-POSITIVE; Severe combined immunodeficiency, autosomal recessive, T cell-negative, B cell-positive, NK cell-positive; IMMUNODEFICIENCY 104, SEVERE COMBINED. Identifiers: MedGen C5676890, MONDO:0012163, OMIM 608971.

Allele frequency attached by ClinVar (database versions not stated): gnomAD 0.00001; TOPMed 0.00002; gnomAD exomes 0.00003 and 0.00004; ExAC 0.00005.
gnomAD v4.1: 51 of 1,612,520 alleles (0.0032%); highest among the groups gnomAD compares: South Asian, 0.043%; no homozygotes.

Submissions (2):

Blueprint Genetics
Classification: Uncertain significance. Last evaluated: 2023-11-23. Review status: criteria provided, single submitter. Criteria: ACMG Guidelines, 2015. Collection method: clinical testing. Allele origin: germline.

Labcorp Genetics (formerly Invitae), Labcorp
Classification: Uncertain significance for Immunodeficiency 104. Last evaluated: 2022-05-07. Review status: criteria provided, single submitter. Criteria: Invitae Variant Classification Sherloc (09022015). Collection method: clinical testing. Allele origin: germline.
Comment: This sequence change replaces aspartic acid, which is acidic and polar, with glycine, which is neutral and non-polar, at codon 603 of the PTPRC protein (p.Asp603Gly). This variant is present in population databases (rs754699279, gnomAD 0.02%). This variant has not been reported in the literature in individuals affected with PTPRC-related conditions. Algorithms developed to predict the effect of missense changes on protein structure and function are either unavailable or do not agree on the potential impact of this missense change (SIFT: "Deleterious"; PolyPhen-2: "Benign"; Align-GVGD: "Class C65"). In summary, the available evidence is currently insufficient to determine the role of this variant in disease. Therefore, it has been classified as a Variant of Uncertain Significance.